The following is an entry in ClinVar:

NC_000010.10:g.(?_43619099)_(43623717_?)dup

Gene: RET (ret proto-oncogene; plus strand). Cytogenetic location: 10q11.21.
Variant type: Duplication.
Identifiers: ClinVar variation 3244918 (VCV003244918.1).

ClinVar aggregate classification (germline): Uncertain significance (1 of 4 stars; one submission).

Conditions:
Multiple endocrine neoplasia, type 2 (MEN2). Identifiers: Orphanet 653, MedGen C4048306, MONDO:0019003. Disease mechanism: gain of function.

Submission:

Labcorp Genetics (formerly Invitae), Labcorp
Classification: Uncertain significance for Multiple endocrine neoplasia, type 2. Last evaluated: 2023-12-28. Review status: criteria provided, single submitter. Criteria: Invitae Variant Classification Sherloc (09022015). Collection method: clinical testing. Allele origin: unknown.
Comment: This variant results in a copy number gain of the genomic region encompassing exon(s) 17-20 of the RET gene. This region includes the termination codon of the gene. This copy number gain extends beyond the assayed region for this gene and therefore may encompass additional genes. As the precise location of this event is unknown, it may be in tandem or it may be located elsewhere in the genome. This variant has not been reported in the literature in individuals affected with RET-related conditions. In summary, the available evidence is currently insufficient to determine the role of this variant in disease. Therefore, it has been classified as a Variant of Uncertain Significance.